The following is an entry in ClinVar:

NM_017654.4(SAMD9):c.3430A>T (p.Ile1144Phe)

Gene: SAMD9 (sterile alpha motif domain containing 9; minus strand). Cytogenetic location: 7q21.2.
Variant type: single nucleotide variant.
Coding change: c.3430A>T on transcript NM_017654.4 (MANE Select); coding-DNA position 3430, A replaced by T.
Protein change: p.Ile1144Phe; replaces isoleucine 1144 with phenylalanine.
Molecular consequence: missense variant.
Genome position (GRCh38, 1-based): chr7:93,102,668, T>A on the plus strand (A>T on the coding strand, the complement: SAMD9 is on the minus strand). VCF-style: chr7-93102668-T-A. GRCh37 (hg19) VCF-style: chr7-92731981-T-A.
Other names: c.3430A>T, p.Ile1144Phe (NM_001193307.2); short protein forms I1144F.
Identifiers: ClinVar variation 3792118 (VCV003792118.1).

ClinVar aggregate classification (germline): Uncertain significance (1 of 4 stars; one submission).

Conditions:
Inborn genetic diseases. Identifiers: MedGen C0950123, MeSH D030342.

gnomAD v4.1: 1 of 1,613,932 alleles (0.000062%); highest among the groups gnomAD compares: Non-Finnish European, 0.000085%; no homozygotes.

Submission:

Ambry Genetics
Classification: Uncertain significance for Inborn genetic diseases. Last evaluated: 2025-02-22. Review status: criteria provided, single submitter. Criteria: Ambry Variant Classification Scheme 2023. Collection method: clinical testing. Allele origin: germline.
Comment: The p.I1144F variant (also known as c.3430A>T), located in coding exon 1 of the SAMD9 gene, results from an A to T substitution at nucleotide position 3430. The isoleucine at codon 1144 is replaced by phenylalanine, an amino acid with highly similar properties. This amino acid position is conserved. In addition, this alteration is predicted to be tolerated by in silico analysis. Based on the available evidence, the clinical significance of this variant remains unclear.